The following is an entry in ClinVar:

NM_024312.5(GNPTAB):c.2990A>G (p.Tyr997Cys)

Gene: GNPTAB (N-acetylglucosamine-1-phosphate transferase subunits alpha and beta; minus strand). Cytogenetic location: 12q23.2.
Variant type: single nucleotide variant.
Coding change: c.2990A>G on transcript NM_024312.5 (MANE Select); coding-DNA position 2990, A replaced by G.
Protein change: p.Tyr997Cys; replaces tyrosine 997 with cysteine.
Molecular consequence: missense variant.
Genome position (GRCh38, 1-based): chr12:101,761,272, T>C on the plus strand (A>G on the coding strand, the complement: GNPTAB is on the minus strand). VCF-style: chr12-101761272-T-C. GRCh37 (hg19) VCF-style: chr12-102155050-T-C.
Other names: short protein forms Y997C.
Identifiers: ClinVar variation 1411139 (VCV001411139.5), dbSNP rs1594210905, ClinGen allele CA386295888.

ClinVar aggregate classification (germline): Uncertain significance (1 of 4 stars; one submission).

Conditions:
Pseudo-Hurler polydystrophy. Also called: ML III; ML III ALPHA/BETA; MUCOLIPIDOSIS IIIA; Type III Mucolipidosis; ML IIIA; Mucolipidosis III Alpha/Beta. Identifiers: Orphanet 423461, Orphanet 577, MedGen C0033788, MONDO:0018931, OMIM 252600.
Mucolipidosis type II. Also called: ML II ALPHA/BETA; Mucolipidosis 2; ML 2; Inclusion cell disease; Leroy Disease; N-acetylglucosamine 1phosphotransferase deficiency. Identifiers: Orphanet 576, MedGen C2673377, MONDO:0009650, OMIM 252500.

Submission:

Labcorp Genetics (formerly Invitae), Labcorp
Classification: Uncertain significance for Pseudo-Hurler polydystrophy; Mucolipidosis type II. Last evaluated: 2021-08-26. Review status: criteria provided, single submitter. Criteria: Invitae Variant Classification Sherloc (09022015). Collection method: clinical testing. Allele origin: germline.
Comment: This sequence change replaces tyrosine with cysteine at codon 997 of the GNPTAB protein (p.Tyr997Cys). The tyrosine residue is highly conserved and there is a large physicochemical difference between tyrosine and cysteine. This variant is not present in population databases (ExAC no frequency). This missense change has been observed in individual(s) with mucolipidosis II (PMID: 29872134). Advanced modeling of protein sequence and biophysical properties (such as structural, functional, and spatial information, amino acid conservation, physicochemical variation, residue mobility, and thermodynamic stability) performed at Invitae indicates that this missense variant is expected to disrupt GNPTAB protein function. In summary, the available evidence is currently insufficient to determine the role of this variant in disease. Therefore, it has been classified as a Variant of Uncertain Significance.

Literature cited by the submitters: PubMed 29872134.